The following is an entry in ClinVar:

NM_001876.4(CPT1A):c.454-208C>T

Gene: CPT1A (carnitine palmitoyltransferase 1A; minus strand). Cytogenetic location: 11q13.3.
Variant type: single nucleotide variant.
Coding change: c.454-208C>T on transcript NM_001876.4 (MANE Select); 208 bases into the intron before coding-DNA position 454, C replaced by T.
Molecular consequence: intron variant.
Genome position (GRCh38, 1-based): chr11:68,804,309, G>A on the plus strand (C>T on the coding strand, the complement: CPT1A is on the minus strand). VCF-style: chr11-68804309-G-A. GRCh37 (hg19) VCF-style: chr11-68571777-G-A.
Other names: c.454-208C>T (NM_001031847.3).
Identifiers: ClinVar variation 678470 (VCV000678470.1), dbSNP rs2924674, ClinGen allele CA223393760.

ClinVar aggregate classification (germline): Benign (1 of 4 stars; one submission).

Allele frequency attached by ClinVar (database versions not stated): 1000 Genomes Project 30x 0.87820; 1000 Genomes Project 0.88279; TOPMed 0.91074; gnomAD 0.91736 and 0.91901.

Submission:

GeneDx
Classification: Benign. Last evaluated: 2018-06-14. Review status: criteria provided, single submitter. Criteria: GeneDx Variant Classification (06012015). Collection method: clinical testing. Allele origin: germline. Affected: yes.
Comment: This variant is considered likely benign or benign based on one or more of the following criteria: it is a conservative change, it occurs at a poorly conserved position in the protein, it is predicted to be benign by multiple in silico algorithms, and/or has population frequency not consistent with disease.